The following is an entry in ClinVar:

ClinVar aggregate classification (germline): Uncertain significance. Review status: criteria provided, multiple submitters, no conflicts (2 of 4 stars). 2 submissions from 2 submitters: Uncertain significance (2). Last evaluated 2024-01-17.

Conditions:
PCNT-related disorder. Also called: PCNT-related condition.
Microcephalic osteodysplastic primordial dwarfism type II (MOPD2). Also called: Microcephalic osteodysplastic primordial dwarfism with tooth abnormalities; MOPD II; OSTEODYSPLASTIC PRIMORDIAL DWARFISM, TYPE II. Identifiers: Orphanet 2637, MedGen C0432246, MONDO:0008872, OMIM 210720.

Allele frequency attached by ClinVar (database versions not stated): gnomAD exomes below 0.00001; ExAC 0.00001.
gnomAD v4.1: 1 of 1,608,510 alleles (0.000062%); highest among the groups gnomAD compares: Admixed American, 0.0017%; no homozygotes.

Submissions (2):

Fulgent Genetics
Classification: Uncertain significance for Microcephalic osteodysplastic primordial dwarfism type II. Last evaluated: 2024-01-17. Review status: criteria provided, single submitter. Criteria: ACMG Guidelines, 2015. Collection method: clinical testing. Allele origin: germline.

PreventionGenetics, part of Exact Sciences
Classification: Uncertain significance for PCNT-related condition. Last evaluated: 2023-09-04. Review status: criteria provided, single submitter. Criteria: ACMG Guidelines, 2015. Collection method: clinical testing. Allele origin: germline.
Comment: The PCNT c.1430C>T variant is predicted to result in the amino acid substitution p.Ala477Val. To our knowledge, this variant has not been reported in the literature. This variant is reported in 0.0029% of alleles in individuals of Latino descent in gnomAD. At this time, the clinical significance of this variant is uncertain due to the absence of conclusive functional and genetic evidence.

NM_006031.6(PCNT):c.1430C>T (p.Ala477Val)

Gene: PCNT (pericentrin; plus strand). Cytogenetic location: 21q22.3.
Variant type: single nucleotide variant.
Coding change: c.1430C>T on transcript NM_006031.6 (MANE Select); coding-DNA position 1430, C replaced by T.
Protein change: p.Ala477Val; replaces alanine 477 with valine.
Molecular consequence: missense variant.
Genome position (GRCh38, 1-based): chr21:46,351,514, C>T. VCF-style: chr21-46351514-C-T. GRCh37 (hg19) VCF-style: chr21-47771428-C-T.
Other names: c.1076C>T, p.Ala359Val (NM_001315529.2); short protein forms A359V, A477V.
Identifiers: ClinVar variation 2636882 (VCV002636882.2), dbSNP rs770312615, ClinGen allele CA10078605.